The following is an entry in ClinVar:

ClinVar aggregate classification (germline): Uncertain significance (1 of 4 stars; one submission).

Allele frequency attached by ClinVar (database versions not stated): gnomAD exomes below 0.00001.
gnomAD v4.1: 2 of 1,614,138 alleles (0.00012%); highest among the groups gnomAD compares: South Asian, 0.0011%; no homozygotes.

Submission:

Labcorp Genetics (formerly Invitae), Labcorp
Classification: Uncertain significance. Last evaluated: 2022-11-08. Review status: criteria provided, single submitter. Criteria: Invitae Variant Classification Sherloc (09022015). Collection method: clinical testing. Allele origin: germline.
Comment: This sequence change replaces lysine, which is basic and polar, with arginine, which is basic and polar, at codon 381 of the KMT2A protein (p.Lys381Arg). In summary, the available evidence is currently insufficient to determine the role of this variant in disease. Therefore, it has been classified as a Variant of Uncertain Significance. Advanced modeling of protein sequence and biophysical properties (such as structural, functional, and spatial information, amino acid conservation, physicochemical variation, residue mobility, and thermodynamic stability) has been performed at Invitae for this missense variant, however the output from this modeling did not meet the statistical confidence thresholds required to predict the impact of this variant on KMT2A protein function. This variant has not been reported in the literature in individuals affected with KMT2A-related conditions. This variant is not present in population databases (gnomAD no frequency).

NM_001197104.2(KMT2A):c.1142A>G (p.Lys381Arg)

Gene: KMT2A (lysine methyltransferase 2A; plus strand). Cytogenetic location: 11q23.3.
Variant type: single nucleotide variant.
Coding change: c.1142A>G on transcript NM_001197104.2 (MANE Select); coding-DNA position 1142, A replaced by G.
Protein change: p.Lys381Arg; replaces lysine 381 with arginine.
Molecular consequence: missense variant.
Genome position (GRCh38, 1-based): chr11:118,472,301, A>G. VCF-style: chr11-118472301-A-G. GRCh37 (hg19) VCF-style: chr11-118343016-A-G.
Other names: c.1241A>G, p.Lys414Arg (NM_001412597.1); c.1142A>G, p.Lys381Arg (NM_005933.4); short protein forms K381R, K414R.
Identifiers: ClinVar variation 1719046 (VCV001719046.5), dbSNP rs2134260310, ClinGen allele CA382809353.